The following is an entry in ClinVar:

ClinVar aggregate classification (germline): Likely pathogenic (1 of 4 stars; one submission).

Conditions:
Fabry disease. Also called: ALPHA-GALACTOSIDASE A DEFICIENCY; ANDERSON-FABRY DISEASE; CERAMIDE TRIHEXOSIDASE DEFICIENCY; GLA DEFICIENCY; HEREDITARY DYSTOPIC LIPIDOSIS; Angiokeratoma corporis diffusum. Identifiers: Orphanet 324, MedGen C0002986, MONDO:0010526, OMIM 301500, HP:0001071. Disease mechanism: Fabry disease is due to inactivating mutations in the X-linked GLA gene resulting in deficiency of the enzyme Alpha Galactosidase-A., loss of function.

Submission:

Genomenon, Inc
Classification: Likely pathogenic for Fabry disease. Last evaluated: 2026-09-08. Review status: criteria provided, single submitter. Criteria: Genomenon Sequence Variant Interpretation Standards - Updated. Collection method: curation. Allele origin: germline. Affected: yes.
Comment: GLA p.Arg363Pro (c.1088G>C) is a missense variant that changes the amino acid at codon 363 from Arginine to Proline. This variant has been observed in at least one proband with clinical features consistent with Fabry disease (PMID:25835592). At least one functional study has demonstrated a substantial alteration in protein function relative to the wild-type (PMID:27657681). It is absent or not present at a significant frequency in gnomAD. In conclusion, we classify GLA p.Arg363Pro (c.1088G>C) as a likely pathogenic variant.

Literature cited by the submitters: PubMed 25835592; PubMed 27657681.

NM_000169.3(GLA):c.1088G>C (p.Arg363Pro)

Genes: GLA (galactosidase alpha; minus strand), RPL36A-HNRNPH2 (RPL36A-HNRNPH2 readthrough; plus strand). Cytogenetic location: Xq22.1.
Variant type: single nucleotide variant.
Coding change: c.1088G>C on transcript NM_000169.3 (MANE Select); coding-DNA position 1088, G replaced by C.
Protein change: p.Arg363Pro; replaces arginine 363 with proline.
Molecular consequence: missense variant. On other transcripts: non-coding transcript variant (3), intron variant (2).
Genome position (GRCh38, 1-based): chrX:101,398,011, C>G on the plus strand (G>C on the coding strand, the complement: GLA is on the minus strand). VCF-style: chrX-101398011-C-G. GRCh37 (hg19) VCF-style: chrX-100652999-C-G.
Other names: c.1211G>C, p.Arg404Pro (NM_001406747.1); c.300+2554C>G (NM_001199973.2); c.177+6189C>G (NM_001199974.2); short protein forms R363P, R404P.
Identifiers: ClinVar variation 4087638 (VCV004087638.2).